The following is an entry in ClinVar:

ClinVar aggregate classification (germline): Uncertain significance (1 of 4 stars; one submission).

Submission:

Labcorp Genetics (formerly Invitae), Labcorp
Classification: Uncertain significance. Last evaluated: 2022-11-17. Review status: criteria provided, single submitter. Criteria: Invitae Variant Classification Sherloc (09022015). Collection method: clinical testing. Allele origin: germline.
Comment: Algorithms developed to predict the effect of missense changes on protein structure and function are either unavailable or do not agree on the potential impact of this missense change (SIFT: "Tolerated"; PolyPhen-2: "Probably Damaging"; Align-GVGD: "Class C0"). This variant has not been reported in the literature in individuals affected with HMOX1-related conditions. This variant is not present in population databases (gnomAD no frequency). This sequence change replaces phenylalanine, which is neutral and non-polar, with leucine, which is neutral and non-polar, at codon 37 of the HMOX1 protein (p.Phe37Leu). In summary, the available evidence is currently insufficient to determine the role of this variant in disease. Therefore, it has been classified as a Variant of Uncertain Significance.

NM_002133.3(HMOX1):c.109T>C (p.Phe37Leu)

Gene: HMOX1 (heme oxygenase 1; plus strand). Cytogenetic location: 22q12.3.
Variant type: single nucleotide variant.
Coding change: c.109T>C on transcript NM_002133.3 (MANE Select); coding-DNA position 109, T replaced by C.
Protein change: p.Phe37Leu; replaces phenylalanine 37 with leucine.
Molecular consequence: missense variant.
Genome position (GRCh38, 1-based): chr22:35,383,191, T>C. VCF-style: chr22-35383191-T-C. GRCh37 (hg19) VCF-style: chr22-35779184-T-C.
Other names: short protein forms F37L.
Identifiers: ClinVar variation 2814901 (VCV002814901.3), dbSNP rs2517861650, ClinGen allele CA411351631.